The following is an entry in ClinVar:

NM_001291303.3(FAT4):c.14404C>T (p.Pro4802Ser)

Gene: FAT4 (FAT atypical cadherin 4; plus strand). Cytogenetic location: 4q28.1.
Variant type: single nucleotide variant.
Coding change: c.14404C>T on transcript NM_001291303.3 (MANE Select); coding-DNA position 14404, C replaced by T.
Protein change: p.Pro4802Ser; replaces proline 4802 with serine.
Molecular consequence: missense variant.
Genome position (GRCh38, 1-based): chr4:125,491,220, C>T. VCF-style: chr4-125491220-C-T. GRCh37 (hg19) VCF-style: chr4-126412375-C-T.
Other names: c.14401C>T, p.Pro4801Ser (NM_001291285.3); c.14398C>T, p.Pro4800Ser (NM_024582.6); short protein forms P4800S, P4802S, P4801S.
Identifiers: ClinVar variation 932020 (VCV000932020.3), dbSNP rs1727627190, ClinGen allele CA358142106.
Genomic context (GRCh38, chr4:125,491,220, plus strand): 5'-GAATCTTCTCCTCCAGTCGGACTTTCTATTGAAGAAGTGGAGAGGCTCAACACACCTCGC[C>T]CTAGAAACCCAAGTATCTGCAGTGCAGACCATGGGAGGTCTTCTTCAGAGGAGGACTGCA-3'
Protein context (NP_001278232.1, residues 4792-4812): EEVERLNTPR[Pro4802Ser]RNPSICSADH

ClinVar aggregate classification (germline): Uncertain significance (1 of 4 stars; one submission).

Conditions:
Hennekam lymphangiectasia-lymphedema syndrome 2 (HKLLS2). Identifiers: Orphanet 2136, MedGen C4014939, MONDO:0014454, OMIM 616006.

Allele frequency attached by ClinVar (database versions not stated): gnomAD exomes below 0.00001.
gnomAD v4.1: 1 of 1,614,054 alleles (0.000062%); highest among the groups gnomAD compares: Non-Finnish European, 0.000085%; no homozygotes.

Submission:

Centre for Mendelian Genomics, University Medical Centre Ljubljana
Classification: Uncertain significance for Hennekam lymphangiectasia-lymphedema syndrome 2. Last evaluated: 2019-07-03. Review status: criteria provided, single submitter. Criteria: ACMG Guidelines, 2015. Collection method: clinical testing. Allele origin: unknown. Affected: yes.
Comment: This variant was classified as: Uncertain significance. The available evidence on this variant's pathogenicity is insufficient or conflicting. The following ACMG criteria were applied in classifying this variant: PM2,PP3.